The following is an entry in ClinVar:

NM_001348041.4(BBS9):c.2724C>T (p.Ser908=)

Gene: BBS9 (Bardet-Biedl syndrome 9; plus strand). Cytogenetic location: 7p14.3.
Variant type: single nucleotide variant.
Coding change: c.2724C>T on transcript NM_001348041.4; coding-DNA position 2724, C replaced by T.
Protein change: p.Ser908=; no amino-acid change (serine 908 retained).
Molecular consequence: synonymous variant.
Genome position (GRCh38, 1-based): chr7:33,635,268, C>T. VCF-style: chr7-33635268-C-T. GRCh37 (hg19) VCF-style: chr7-33674880-C-T.
Other names: c.2613C>T, p.Ser871= (NM_001362679.1).
Identifiers: ClinVar variation 3356016 (VCV003356016.1).
Genomic context (GRCh38, chr7:33,635,268, plus strand): 5'-GACCCTAAGAATACCCCACTCCCTGAGCCAGCATCTCCAGCTGATGGAGGGACCCAAAAG[C>T]TAAGCGGGGTCAATCAGACACCTTCCCTGGGATGGTTAAAACTGGGACAGGCCAATGGAG-3'

ClinVar aggregate classification (germline): Likely benign (0 of 4 stars; one submission).

Conditions:
BBS9-related disorder. Also called: BBS9-related condition.

Submission:

PreventionGenetics, part of Exact Sciences
Classification: Likely benign for BBS9-related condition. Last evaluated: 2023-06-19. Review status: no assertion criteria provided. Collection method: clinical testing. Allele origin: germline.
Comment: This variant is classified as likely benign based on ACMG/AMP sequence variant interpretation guidelines (Richards et al. 2015 PMID: 25741868, with internal and published modifications).